The following is an entry in ClinVar:

ClinVar aggregate classification (germline): Likely benign (1 of 4 stars; one submission).

Submission:

CeGaT Center for Human Genetics Tuebingen
Classification: Likely benign. Last evaluated: 2026-09-01. Review status: criteria provided, single submitter. Criteria: CeGaT Center For Human Genetics Tuebingen Variant Classification Criteria Version 2. Collection method: clinical testing. Allele origin: germline. Affected: yes. Observed: 1 variant allele.
Comment: PPT1: PM2:Supporting, BP4, BP7

NM_000310.4(PPT1):c.125-1493A>G

Gene: PPT1 (palmitoyl-protein thioesterase 1; minus strand). Cytogenetic location: 1p34.2.
Variant type: single nucleotide variant.
Coding change: c.125-1493A>G on transcript NM_000310.4 (MANE Select); 1493 bases into the intron before coding-DNA position 125, A replaced by G.
Molecular consequence: intron variant.
Genome position (GRCh38, 1-based): chr1:40,094,000, T>C on the plus strand (A>G on the coding strand, the complement: PPT1 is on the minus strand). VCF-style: chr1-40094000-T-C. GRCh37 (hg19) VCF-style: chr1-40559672-T-C.
Other names: c.124+3115A>G (NM_001142604.2); c.125-1493A>G (NM_001363695.2).
Identifiers: ClinVar variation 5041223 (VCV005041223.1).